The following is an entry in ClinVar:

NM_000038.6(APC):c.6387G>C (p.Ser2129=)

Gene: APC (APC regulator of Wnt signaling pathway; plus strand). Cytogenetic location: 5q22.2.
Variant type: single nucleotide variant.
Coding change: c.6387G>C on transcript NM_000038.6 (MANE Select); coding-DNA position 6387, G replaced by C.
Protein change: p.Ser2129=; no amino-acid change (serine 2129 retained).
Molecular consequence: synonymous variant.
Genome position (GRCh38, 1-based): chr5:112,841,981, G>C. VCF-style: chr5-112841981-G-C. GRCh37 (hg19) VCF-style: chr5-112177678-G-C.
Other names: c.6387G>C, p.Ser2129= (NM_001127510.3, NM_001354895.2); c.6333G>C, p.Ser2111= (NM_001127511.3); c.6441G>C, p.Ser2147= (NM_001354896.2); c.6417G>C, p.Ser2139= (NM_001354897.2); c.6312G>C, p.Ser2104= (NM_001354898.2); c.6303G>C, p.Ser2101= (NM_001354899.2); c.6264G>C, p.Ser2088= (NM_001354900.2); c.6210G>C, p.Ser2070= (NM_001354901.2); and 5 more.
Identifiers: ClinVar variation 1094499 (VCV001094499.11), dbSNP rs374310157, ClinGen allele CA446210402.
Genomic context (GRCh38, chr5:112,841,981, plus strand): 5'-TTCCATAGTAAGTAGTTTACATCAAGCTGCTGCTGCTGCATGTTTATCTAGACAAGCTTC[G>C]TCTGATTCAGATTCCATCCTTTCCCTGAAATCAGGAATCTCTCTGGGATCACCATTTCAT-3'
Protein context (NP_000029.2, residues 2119-2139): AAAACLSRQA[Ser2129=]SDSDSILSLK

ClinVar aggregate classification (germline): Benign/Likely benign. Review status: criteria provided, multiple submitters, no conflicts (2 of 4 stars). 2 submissions from 2 submitters: Benign (1); Likely benign (1). Last evaluated 2025-01-20.

Conditions:
Familial adenomatous polyposis 1 (FAP1). Also called: FAMILIAL ADENOMATOUS POLYPOSIS 1, ATTENUATED; POLYPOSIS, ADENOMATOUS INTESTINAL. Identifiers: MedGen C2713442, MONDO:0021056, OMIM 175100. Disease mechanism: loss of function.

Submissions (2):

Labcorp Genetics (formerly Invitae), Labcorp
Classification: Likely benign for Familial adenomatous polyposis 1. Last evaluated: 2025-01-20. Review status: criteria provided, single submitter. Criteria: Invitae Variant Classification Sherloc (09022015). Collection method: clinical testing. Allele origin: germline.

Myriad Genetics, Inc.
Classification: Benign for Familial adenomatous polyposis 1. Last evaluated: 2024-04-04. Review status: criteria provided, single submitter. Criteria: Myriad Autosomal Dominant, Autosomal Recessive and X-Linked Classification Criteria (2023). Collection method: clinical testing. Allele origin: unknown.
Comment: This variant is considered benign. This variant is a silent/synonymous amino acid change and it is not expected to impact splicing.